The following is an entry in ClinVar:

NM_000132.4(F8):c.6308T>A (p.Ile2103Asn)

Gene: F8 (coagulation factor VIII; minus strand). Cytogenetic location: Xq28.
Variant type: single nucleotide variant.
Coding change: c.6308T>A on transcript NM_000132.4 (MANE Select); coding-DNA position 6308, T replaced by A.
Protein change: p.Ile2103Asn; replaces isoleucine 2103 with asparagine.
Molecular consequence: missense variant.
Genome position (GRCh38, 1-based): chrX:154,896,198, A>T on the plus strand (T>A on the coding strand, the complement: F8 is on the minus strand). VCF-style: chrX-154896198-A-T. GRCh37 (hg19) VCF-style: chrX-154124473-A-T.
Other names: short protein forms I2103N.
Identifiers: ClinVar variation 3895918 (VCV003895918.1).
Genomic context (GRCh38, chrX:154,896,198, plus strand): 5'-ATGATGATAAACTGAGAGATGTAGAGGCTGGAGAACTTCTGACGGGCACCCTGGGTCTTG[A>T]TGCCGTGAATAATCATTGGTGCCAACAGATCCACCTACCAATTAAAATAACACTTTATTT-3'
Protein context (NP_000123.1, residues 2093-2113): DLLAPMIIHG[Ile2103Asn]KTQGARQKFS

ClinVar aggregate classification (germline): Uncertain significance (1 of 4 stars; one submission).

Submission:

Women's Health and Genetics/Laboratory Corporation of America, LabCorp
Classification: Uncertain significance. Last evaluated: 2025-03-26. Review status: criteria provided, single submitter. Criteria: LabCorp Variant Classification Summary - May 2015. Collection method: clinical testing. Allele origin: germline.
Comment: Variant summary: F8 c.6308T>A (p.Ile2103Asn) results in a non-conservative amino acid change in the encoded protein sequence. Five of five in-silico tools predict a damaging effect of the variant on protein function. The variant was absent in 183297 control chromosomes. The available data on variant occurrences in the general population are insufficient to allow any conclusion about variant significance. To our knowledge, no occurrence of c.6308T>A in individuals affected with Factor VIII Deficiency (Hemophilia A) and no experimental evidence demonstrating its impact on protein function have been reported. No submitters have cited clinical-significance assessments for this variant to ClinVar. Based on the evidence outlined above, the variant was classified as uncertain significance.